The following is an entry in ClinVar:

NM_014283.5(SUCO):c.3125A>G (p.Asp1042Gly)

Gene: SUCO (SUN domain containing ossification factor; plus strand). Cytogenetic location: 1q24.3.
Variant type: single nucleotide variant.
Coding change: c.3125A>G on transcript NM_014283.5 (MANE Select); coding-DNA position 3125, A replaced by G.
Protein change: p.Asp1042Gly; replaces aspartic acid 1042 with glycine.
Molecular consequence: missense variant.
Genome position (GRCh38, 1-based): chr1:172,602,170, A>G. VCF-style: chr1-172602170-A-G. GRCh37 (hg19) VCF-style: chr1-172571310-A-G.
Other names: c.2012A>G, p.Asp671Gly (NM_001282750.2); c.1436A>G, p.Asp479Gly (NM_001282751.2); c.3578A>G, p.Asp1193Gly (NM_016227.4); short protein forms D1042G, D479G, D671G, D1193G.
Identifiers: ClinVar variation 4739150 (VCV004739150.1).

ClinVar aggregate classification (germline): Uncertain significance (1 of 4 stars; one submission).

Submission:

Labcorp Genetics (formerly Invitae), Labcorp
Classification: Uncertain significance. Last evaluated: 2025-02-15. Review status: criteria provided, single submitter. Criteria: Invitae Variant Classification Sherloc (09022015). Collection method: clinical testing. Allele origin: germline.
Comment: This sequence change replaces aspartic acid, which is acidic and polar, with glycine, which is neutral and non-polar, at codon 1042 of the SUCO protein (p.Asp1042Gly). This variant is not present in population databases (gnomAD no frequency). This variant has not been reported in the literature in individuals affected with SUCO-related conditions. An algorithm developed to predict the effect of missense changes on protein structure and function (PolyPhen-2) suggests that this variant is likely to be tolerated. In summary, the available evidence is currently insufficient to determine the role of this variant in disease. Therefore, it has been classified as a Variant of Uncertain Significance.